The following is an entry in ClinVar:

NM_000238.4(KCNH2):c.423G>A (p.Pro141=)

Gene: KCNH2 (potassium voltage-gated channel subfamily H member 2; minus strand). Cytogenetic location: 7q36.1.
Variant type: single nucleotide variant.
Coding change: c.423G>A on transcript NM_000238.4 (MANE Select); coding-DNA position 423, G replaced by A.
Protein change: p.Pro141=; no amino-acid change (proline 141 retained).
Molecular consequence: synonymous variant. On other transcripts: non-coding transcript variant (1).
Genome position (GRCh38, 1-based): chr7:150,959,621, C>T on the plus strand (G>A on the coding strand, the complement: KCNH2 is on the minus strand). VCF-style: chr7-150959621-C-T. GRCh37 (hg19) VCF-style: chr7-150656709-C-T.
Other names: c.135G>A, p.Pro45= (NM_001406753.1, NM_001406756.1); c.246G>A, p.Pro82= (NM_001406755.1); c.123G>A, p.Pro41= (NM_001406757.1); c.423G>A, p.Pro141= (NM_172056.3).
Identifiers: ClinVar variation 526917 (VCV000526917.16), dbSNP rs148483769, ClinGen allele CA039352.

ClinVar aggregate classification (germline): Likely benign. Review status: criteria provided, multiple submitters, no conflicts (2 of 4 stars). 4 submissions from 4 submitters: Likely benign (4). Last evaluated 2024-04-10.

Conditions:
Cardiac arrhythmia. Also called: Arrhythmia; Cardiac rhythm disease. Identifiers: MedGen C0003811, MONDO:0007263, HP:0011675.
Cardiovascular phenotype. Identifiers: MedGen CN230736.
Long QT syndrome (LQTS). Identifiers: MedGen C0023976, MeSH D008133, MONDO:0002442. Disease mechanism: loss of function. Inheritance: Various modes of inheritance.

Allele frequency attached by ClinVar (database versions not stated): gnomAD exomes below 0.00001 and 0.00002; gnomAD 0.00001; TOPMed 0.00001; ExAC 0.00002; ESP Exome Variant Server 0.00008.
gnomAD v4.1: 29 of 1,614,004 alleles (0.0018%); highest among the groups gnomAD compares: South Asian, 0.0022%; no homozygotes.

Submissions (4):

All of Us Research Program, National Institutes of Health
Classification: Likely benign for Long QT syndrome. Last evaluated: 2024-04-10. Review status: criteria provided, single submitter. Criteria: ACMG Guidelines, 2015. Collection method: clinical testing. Allele origin: germline. Inheritance: Autosomal dominant inheritance. Observed: 1 variant allele, 1 heterozygote.
Comment: This study involves interpretation of variants in research participants for the purpose of population health screening. Participant phenotype was not available at the time of variant classification. Additional details can be found in publication PMID: 35346344, PMCID: PMC8962531

Labcorp Genetics (formerly Invitae), Labcorp
Classification: Likely benign for Long QT syndrome. Last evaluated: 2024-02-07. Review status: criteria provided, single submitter. Criteria: Invitae Variant Classification Sherloc (09022015). Collection method: clinical testing. Allele origin: germline.

Ambry Genetics
Classification: Likely benign for Cardiovascular phenotype. Last evaluated: 2022-07-17. Review status: criteria provided, single submitter. Criteria: Ambry Variant Classification Scheme 2023. Collection method: clinical testing. Allele origin: germline.

Color Diagnostics, LLC DBA Color Health
Classification: Likely benign for Cardiac arrhythmia. Last evaluated: 2021-03-16. Review status: criteria provided, single submitter. Criteria: ACMG Guidelines, 2015. Collection method: clinical testing. Allele origin: germline.